The following is an entry in ClinVar:

ClinVar aggregate classification (germline): Uncertain significance (1 of 4 stars; one submission).

Conditions:
Progressive myoclonic epilepsy type 9. Identifiers: Orphanet 457265, MedGen C4225289, MONDO:0014685, OMIM 616540.
Lipodystrophy, partial, acquired, susceptibility to (APLD). Also called: APLD, SUSCEPTIBILITY TO. Identifiers: MedGen C3887501, MONDO:0100476, OMIM 608709.

gnomAD v4.1: 4 of 992,814 alleles (0.0004%); highest among the groups gnomAD compares: South Asian, 0.009%; no homozygotes.

Submission:

Labcorp Genetics (formerly Invitae), Labcorp
Classification: Uncertain significance for Progressive myoclonic epilepsy type 9; Lipodystrophy, partial, acquired, susceptibility to. Last evaluated: 2025-09-20. Review status: criteria provided, single submitter. Criteria: Invitae Variant Classification Sherloc (09022015). Collection method: clinical testing. Allele origin: germline.
Comment: This sequence change replaces proline, which is neutral and non-polar, with leucine, which is neutral and non-polar, at codon 3 of the LMNB2 protein (p.Pro3Leu). The frequency data for this variant in the population databases is considered unreliable, as metrics indicate insufficient coverage at this position in the gnomAD database. This variant has not been reported in the literature in individuals affected with LMNB2-related conditions. Experimental studies and prediction algorithms are not available or were not evaluated, and the functional significance of this variant is currently unknown. In summary, the available evidence is currently insufficient to determine the role of this variant in disease. Therefore, it has been classified as a Variant of Uncertain Significance.

NM_032737.4(LMNB2):c.8C>T (p.Pro3Leu)

Genes: LMNB2 (lamin B2; minus strand), LOC130063066 (ATAC-STARR-seq lymphoblastoid silent region 9792; plus strand). Cytogenetic location: 19p13.3.
Variant type: single nucleotide variant.
Coding change: c.8C>T on transcript NM_032737.4 (MANE Select); coding-DNA position 8, C replaced by T.
Protein change: p.Pro3Leu; replaces proline 3 with leucine.
Molecular consequence: missense variant.
Genome position (GRCh38, 1-based): chr19:2,456,926, G>A on the plus strand (C>T on the coding strand, the complement: LMNB2 is on the minus strand). VCF-style: chr19-2456926-G-A. GRCh37 (hg19) VCF-style: chr19-2456924-G-A.
Other names: short protein forms P3L.
Identifiers: ClinVar variation 4792121 (VCV004792121.1).